The following is an entry in ClinVar:

NM_002439.5(MSH3):c.1721G>A (p.Arg574Gln)

Gene: MSH3 (mutS homolog 3; plus strand). Cytogenetic location: 5q14.1.
Variant type: single nucleotide variant.
Coding change: c.1721G>A on transcript NM_002439.5 (MANE Select); coding-DNA position 1721, G replaced by A.
Protein change: p.Arg574Gln; replaces arginine 574 with glutamine.
Molecular consequence: missense variant.
Genome position (GRCh38, 1-based): chr5:80,744,573, G>A. VCF-style: chr5-80744573-G-A. GRCh37 (hg19) VCF-style: chr5-80040392-G-A.
Other names: short protein forms R574Q.
Identifiers: ClinVar variation 640155 (VCV000640155.18), dbSNP rs776668872, ClinGen allele CA3328013.
Genomic context (GRCh38, chr5:80,744,573, plus strand): 5'-TGAAAACCAAAGGAAGTTTGCTGTGGGTTTTAGACCACACTAAAACTTCATTTGGGAGAC[G>A]GAAGTTAAAGAAGTGGGTGACCCAGCCACTCCTTAAATTAAGGTAAAAGGAATTCTTTTT-3'
Protein context (NP_002430.3, residues 564-584): LDHTKTSFGR[Arg574Gln]KLKKWVTQPL

ClinVar aggregate classification (germline): Uncertain significance. Review status: criteria provided, multiple submitters, no conflicts (2 of 4 stars). 6 submissions from 6 submitters: Uncertain significance (6). Last evaluated 2026-05-13.

Conditions:
Endometrial carcinoma. Also called: Endometrial carcinoma, somatic. Identifiers: MedGen C0476089, MONDO:0002447, OMIM 608089, HP:0012114.
Familial adenomatous polyposis 4 (FAP4). Also called: MSH3-related attenuated familial adenomatous polyposis. Identifiers: Orphanet 480536, MedGen C4310719, MONDO:0044300, OMIM 617100.
MSH3-related disorder. Also called: MSH3-related condition.
Hereditary cancer-predisposing syndrome. Also called: Neoplastic Syndromes, Hereditary; Tumor predisposition; Hereditary neoplastic syndrome; Hereditary Cancer Syndrome. Identifiers: Orphanet 140162, MedGen C0027672, MeSH D009386, MONDO:0015356.

Allele frequency attached by ClinVar (database versions not stated): ExAC 0.00001; gnomAD exomes 0.00001 and 0.00002; gnomAD 0.00002 and 0.00003; TOPMed 0.00002.
gnomAD v4.1: 30 of 1,613,656 alleles (0.0019%); highest among the groups gnomAD compares: African/African-American, 0.0053%; 1 homozygote.

Submissions (6):

PreventionGenetics, part of Exact Sciences
Classification: Uncertain significance for MSH3-related condition. Last evaluated: 2026-05-13. Review status: criteria provided, single submitter. Criteria: ACMG Guidelines, 2015. Collection method: clinical testing. Allele origin: germline.
Comment: The MSH3 c.1721G>A variant is predicted to result in the amino acid substitution p.Arg574Gln. To our knowledge, this variant has not been reported in the literature in individuals with MSH3-related disease. This variant is reported in 0.0029% of alleles in individuals of Latino descent in gnomAD and is classified as a variant of uncertain significance in ClinVar (Variation ID: 640155). At this time, the clinical significance of this variant is uncertain due to the absence of conclusive functional and genetic evidence.

Labcorp Genetics (formerly Invitae), Labcorp
Classification: Uncertain significance. Last evaluated: 2025-12-22. Review status: criteria provided, single submitter. Criteria: Invitae Variant Classification Sherloc (09022015). Collection method: clinical testing. Allele origin: germline.
Comment: This sequence change replaces arginine, which is basic and polar, with glutamine, which is neutral and polar, at codon 574 of the MSH3 protein (p.Arg574Gln). This variant is present in population databases (rs776668872, gnomAD 0.003%). This variant has not been reported in the literature in individuals affected with MSH3-related conditions. ClinVar contains an entry for this variant (Variation ID: 640155). An algorithm developed to predict the effect of missense changes on protein structure and function (PolyPhen-2) suggests that this variant is likely to be disruptive. In summary, the available evidence is currently insufficient to determine the role of this variant in disease. Therefore, it has been classified as a Variant of Uncertain Significance.

Quest Diagnostics Nichols Institute San Juan Capistrano
Classification: Uncertain significance. Last evaluated: 2025-09-12. Review status: criteria provided, single submitter. Criteria: Quest Diagnostics criteria. Collection method: clinical testing. Allele origin: unknown.
Comment: The MSH3 c.1721G>A (p.Arg574Gln) variant has been reported in the published literature in an individual with non-small cell lung cancer (PMID: 31186761 (2019)). The frequency of this variant in the general population (Genome Aggregation Database) is uninformative in the assessment of its pathogenicity. Analysis of this variant using bioinformatics tools for the prediction of the effect of amino acid changes on protein structure and function yielded predictions that this variant is damaging. Based on the available information, we are unable to determine the clinical significance of this variant.

Ambry Genetics
Classification: Uncertain significance for Hereditary cancer-predisposing syndrome. Last evaluated: 2024-02-07. Review status: criteria provided, single submitter. Criteria: Ambry Variant Classification Scheme 2023. Collection method: clinical testing. Allele origin: germline.
Comment: The p.R574Q variant (also known as c.1721G>A), located in coding exon 12 of the MSH3 gene, results from a G to A substitution at nucleotide position 1721. The arginine at codon 574 is replaced by glutamine, an amino acid with highly similar properties. This amino acid position is highly conserved in available vertebrate species. In addition, this alteration is predicted to be deleterious by in silico analysis. Since supporting evidence is limited at this time, the clinical significance of this alteration remains unclear.

Baylor Genetics
Classification: Uncertain significance for Endometrial carcinoma. Last evaluated: 2023-10-31. Review status: criteria provided, single submitter. Criteria: ACMG Guidelines, 2015. Collection method: clinical testing. Allele origin: unknown.

St. Jude Molecular Pathology, St. Jude Children's Research Hospital
Classification: Uncertain significance for Familial adenomatous polyposis 4. Last evaluated: 2021-07-15. Review status: criteria provided, single submitter. Criteria: St. Jude Assertion Criteria 2020. Collection method: clinical testing. Allele origin: germline.
Comment: The MSH3 c.1721G>A (p.Arg574Gln) missense change has a maximum subpopulation frequency of 0.0029% in gnomAD v2.1.1 (PM2_supporting). Six of six in silico tools predict a deleterious effect of this variant on protein function (PP3), but to our knowledge these predictions have not been confirmed by functional assays. This variant has been reported in an individual with non-small cell lung cancer (PMID: 31186761). In summary, this variant meets criteria to be classified as of uncertain significance based on the ACMG/AMP criteria: PM2_supporting, PP3.

Literature cited by the submitters: PubMed 31186761 (cited by Quest Diagnostics Nichols Institute San Juan Capistrano).